The following is an entry in ClinVar:

ClinVar aggregate classification (germline): Likely pathogenic (1 of 4 stars; one submission).

Submission:

Labcorp Genetics (formerly Invitae), Labcorp
Classification: Likely pathogenic. Last evaluated: 2023-07-28. Review status: criteria provided, single submitter. Criteria: Invitae Variant Classification Sherloc (09022015). Collection method: clinical testing. Allele origin: germline.
Comment: This sequence change affects a donor splice site in intron 49 of the COL27A1 gene. It is expected to disrupt RNA splicing. Variants that disrupt the donor or acceptor splice site typically lead to a loss of protein function (PMID: 16199547), and loss-of-function variants in COL27A1 are known to be pathogenic (PMID: 24986830, 28276056). In summary, the currently available evidence indicates that the variant is pathogenic, but additional data are needed to prove that conclusively. Therefore, this variant has been classified as Likely Pathogenic. Algorithms developed to predict the effect of sequence changes on RNA splicing suggest that this variant may disrupt the consensus splice site. This variant has not been reported in the literature in individuals affected with COL27A1-related conditions. This variant is not present in population databases (gnomAD no frequency).

Literature cited by the submitters: PubMed 16199547; PubMed 24986830; PubMed 28276056.

NM_032888.4(COL27A1):c.4584+2T>C

Gene: COL27A1 (collagen type XXVII alpha 1 chain; plus strand). Cytogenetic location: 9q32.
Variant type: single nucleotide variant.
Coding change: c.4584+2T>C on transcript NM_032888.4 (MANE Select); the canonical splice donor site of the intron after coding-DNA position 4584, T replaced by C.
Molecular consequence: splice donor variant.
Genome position (GRCh38, 1-based): chr9:114,292,212, T>C. VCF-style: chr9-114292212-T-C. GRCh37 (hg19) VCF-style: chr9-117054492-T-C.
Identifiers: ClinVar variation 2747631 (VCV002747631.3), dbSNP rs2490300278, ClinGen allele CA374590600.
Genomic context (GRCh38, chr9:114,292,212, plus strand): 5'-CAGAGGGCAGAACGGGGCTCCCTGGAAACCAGGGGGAGCCTGGGTCCAAAGGCCAGCCGG[T>C]GAGTGAGCGCCAAAGAATACACATGCCCACGCACTCACACATGCACACACTCACATACAC-3'